The following is an entry in ClinVar:

ClinVar aggregate classification (germline): Likely benign. Review status: criteria provided, single submitter (1 of 4 stars). 2 submissions from 2 submitters: Likely benign (1). 1 of the submissions does not count toward it. Last evaluated 2024-12-01.

Conditions:
Hereditary sclerosing poikiloderma with tendon and pulmonary involvement. Also called: Poikiloderma, hereditary fibrosing, with tendon contractures, myopathy, and pulmonary fibrosis. Identifiers: Orphanet 221043, MedGen C3810325, MONDO:0014310, OMIM 615704.

Allele frequency attached by ClinVar (database versions not stated): gnomAD 0.00008; gnomAD exomes 0.00012; TOPMed 0.00012; ExAC 0.00015.
gnomAD v4.1: 194 of 1,613,652 alleles (0.012%); highest among the groups gnomAD compares: Middle Eastern, 0.12%; no homozygotes.

Submissions (2):

CeGaT Center for Human Genetics Tuebingen
Classification: Likely benign. Last evaluated: 2024-12-01. Review status: criteria provided, single submitter. Criteria: CeGaT Center For Human Genetics Tuebingen Variant Classification Criteria Version 2. Collection method: clinical testing. Allele origin: germline. Affected: yes. Observed: 1 variant allele.
Comment: FAM111B: BP4

Dr.Nikuei Genetic Center
Classification: Benign for Hereditary sclerosing poikiloderma with tendon and pulmonary involvement. Review status: no assertion criteria provided. Collection method: clinical testing. Allele origin: germline. Inheritance: Autosomal dominant inheritance. Affected: no. Not counted in ClinVar's aggregate classification.

NM_198947.4(FAM111B):c.520C>T (p.Arg174Cys)

Gene: FAM111B (FAM111 trypsin like peptidase B; plus strand). Cytogenetic location: 11q12.1.
Variant type: single nucleotide variant.
Coding change: c.520C>T on transcript NM_198947.4 (MANE Select); coding-DNA position 520, C replaced by T.
Protein change: p.Arg174Cys; replaces arginine 174 with cysteine.
Molecular consequence: missense variant.
Genome position (GRCh38, 1-based): chr11:59,124,617, C>T. VCF-style: chr11-59124617-C-T. GRCh37 (hg19) VCF-style: chr11-58892090-C-T.
Other names: c.430C>T, p.Arg144Cys (NM_001142703.2, NM_001142704.2); short protein forms R144C, R174C.
Identifiers: ClinVar variation 3248615 (VCV003248615.14), dbSNP rs200180340.